The following is an entry in ClinVar:

NM_000179.3(MSH6):c.2800G>A (p.Asp934Asn)

Gene: MSH6 (mutS homolog 6; plus strand). Cytogenetic location: 2p16.3.
Variant type: single nucleotide variant.
Coding change: c.2800G>A on transcript NM_000179.3 (MANE Select); coding-DNA position 2800, G replaced by A.
Protein change: p.Asp934Asn; replaces aspartic acid 934 with asparagine.
Molecular consequence: missense variant.
Genome position (GRCh38, 1-based): chr2:47,800,783, G>A. VCF-style: chr2-47800783-G-A. GRCh37 (hg19) VCF-style: chr2-48027922-G-A.
Other names: c.2410G>A, p.Asp804Asn (NM_001281492.2); c.1894G>A, p.Asp632Asn (NM_001281493.2, NM_001281494.2, NM_001406811.1 and 6 more transcripts); c.2896G>A, p.Asp966Asn (NM_001406795.1, NM_001406802.1); c.2800G>A, p.Asp934Asn (NM_001406796.1, NM_001406798.1, NM_001406800.1 and 2 more transcripts); c.2503G>A, p.Asp835Asn (NM_001406797.1, NM_001406801.1, NM_001406805.1 and 10 more transcripts); c.2275G>A, p.Asp759Asn (NM_001406799.1, NM_001406806.1, NM_001406807.1); c.2722G>A, p.Asp908Asn (NM_001406804.1); c.2806G>A, p.Asp936Asn (NM_001406813.1); and 2 more; short protein forms D835N, D908N, D934N, D759N, D878N, D632N, D804N, D966N.
Identifiers: ClinVar variation 1796221 (VCV001796221.2), dbSNP rs2104424683, ClinGen allele CA346755574.
Genomic context (GRCh38, chr2:47,800,783, plus strand): 5'-ACAGCCTTTGACCATGAAAAGGCTCGAAAGACTGGACTTATTACTCCCAAAGCAGGCTTT[G>A]ACTCTGATTATGACCAAGCTCTTGCTGACATAAGAGAAAATGAACAGAGCCTCCTGGAAT-3'
Protein context (NP_000170.1, residues 924-944): TGLITPKAGF[Asp934Asn]SDYDQALADI

ClinVar aggregate classification (germline): Uncertain significance (1 of 4 stars; one submission).

Conditions:
Hereditary cancer-predisposing syndrome. Also called: Tumor predisposition; Hereditary Cancer Syndrome; Neoplastic Syndromes, Hereditary; Hereditary neoplastic syndrome. Identifiers: Orphanet 140162, MedGen C0027672, MeSH D009386, MONDO:0015356.

Submission:

Ambry Genetics
Classification: Uncertain significance for Hereditary cancer-predisposing syndrome. Last evaluated: 2022-07-07. Review status: criteria provided, single submitter. Criteria: Ambry Variant Classification Scheme 2023. Collection method: clinical testing. Allele origin: germline.
Comment: The p.D934N variant (also known as c.2800G>A), located in coding exon 4 of the MSH6 gene, results from a G to A substitution at nucleotide position 2800. The aspartic acid at codon 934 is replaced by asparagine, an amino acid with highly similar properties. This amino acid position is highly conserved in available vertebrate species. In addition, the in silico prediction for this alteration is inconclusive. Since supporting evidence is limited at this time, the clinical significance of this alteration remains unclear.